The following is an entry in ClinVar:

ClinVar aggregate classification (germline): Uncertain significance. Review status: criteria provided, multiple submitters, no conflicts (2 of 4 stars). 2 submissions from 2 submitters: Uncertain significance (2). Last evaluated 2024-03-05.

Conditions:
Tuberous sclerosis 2 (TSC2). Identifiers: Orphanet 805, MedGen C1860707, MONDO:0013199, OMIM 613254.
Hereditary cancer-predisposing syndrome. Also called: Hereditary neoplastic syndrome; Tumor predisposition; Neoplastic Syndromes, Hereditary; Hereditary Cancer Syndrome. Identifiers: Orphanet 140162, MedGen C0027672, MeSH D009386, MONDO:0015356.

Submissions (2):

Labcorp Genetics (formerly Invitae), Labcorp
Classification: Uncertain significance for Tuberous sclerosis 2. Last evaluated: 2024-03-05. Review status: criteria provided, single submitter. Criteria: Invitae Variant Classification Sherloc (09022015). Collection method: clinical testing. Allele origin: germline.
Comment: This sequence change replaces lysine, which is basic and polar, with glutamine, which is neutral and polar, at codon 106 of the TSC2 protein (p.Lys106Gln). This variant is not present in population databases (gnomAD no frequency). This variant has not been reported in the literature in individuals affected with TSC2-related conditions. ClinVar contains an entry for this variant (Variation ID: 2449958). Advanced modeling of protein sequence and biophysical properties (such as structural, functional, and spatial information, amino acid conservation, physicochemical variation, residue mobility, and thermodynamic stability) performed at Invitae indicates that this missense variant is not expected to disrupt TSC2 protein function with a negative predictive value of 95%. Experimental studies have shown that this missense change affects TSC2 function (PMID: 27542907). In summary, the available evidence is currently insufficient to determine the role of this variant in disease. Therefore, it has been classified as a Variant of Uncertain Significance.

Ambry Genetics
Classification: Uncertain significance for Hereditary cancer-predisposing syndrome. Last evaluated: 2022-12-06. Review status: criteria provided, single submitter. Criteria: Ambry Variant Classification Scheme 2023. Collection method: clinical testing. Allele origin: germline.
Comment: The p.K106Q variant (also known as c.316A>C), located in coding exon 3 of the TSC2 gene, results from an A to C substitution at nucleotide position 316. The lysine at codon 106 is replaced by glutamine, an amino acid with similar properties. This amino acid position is not well conserved in available vertebrate species. In addition, the in silico prediction for this alteration is inconclusive. Since supporting evidence is limited at this time, the clinical significance of this alteration remains unclear.

Literature cited by the submitters: PubMed 27542907 (cited by Labcorp Genetics (formerly Invitae), Labcorp).

NM_000548.5(TSC2):c.316A>C (p.Lys106Gln)

Gene: TSC2 (TSC complex subunit 2; plus strand). Cytogenetic location: 16p13.3.
Variant type: single nucleotide variant.
Coding change: c.316A>C on transcript NM_000548.5 (MANE Select); coding-DNA position 316, A replaced by C.
Protein change: p.Lys106Gln; replaces lysine 106 with glutamine.
Molecular consequence: missense variant. On other transcripts: intron variant (2).
Genome position (GRCh38, 1-based): chr16:2,053,432, A>C. VCF-style: chr16-2053432-A-C. GRCh37 (hg19) VCF-style: chr16-2103433-A-C.
Other names: c.-1-2764A>C (NM_001318831.2); c.316A>C, p.Lys106Gln (NM_001077183.3, NM_001114382.3, NM_001363528.2 and 3 more transcripts); c.169A>C, p.Lys57Gln (NM_001318829.2); c.349A>C, p.Lys117Gln (NM_001318832.2); c.226-864A>C (NM_001318827.2); short protein forms K106Q, K117Q, K57Q.
Identifiers: ClinVar variation 2449958 (VCV002449958.4), dbSNP rs1555497046, ClinGen allele CA319557.